The following is an entry in ClinVar:

ClinVar aggregate classification (germline): Uncertain significance (1 of 4 stars; one submission).

Conditions:
Inborn genetic diseases. Identifiers: MedGen C0950123, MeSH D030342.

Submission:

Ambry Genetics
Classification: Uncertain significance for Inborn genetic diseases. Last evaluated: 2021-11-21. Review status: criteria provided, single submitter. Criteria: Ambry Variant Classification Scheme 2023. Collection method: clinical testing. Allele origin: germline.
Comment: The p.A281T variant (also known as c.841G>A), located in coding exon 8 of the RAD51 gene, results from a G to A substitution at nucleotide position 841. The alanine at codon 281 is replaced by threonine, an amino acid with similar properties. This amino acid position is conserved. In addition, the in silico prediction for this alteration is inconclusive. Since supporting evidence is limited at this time, the clinical significance of this alteration remains unclear.

NM_002875.5(RAD51):c.841G>A (p.Ala281Thr)

Gene: RAD51 (RAD51 recombinase; plus strand). Cytogenetic location: 15q15.1.
Variant type: single nucleotide variant.
Coding change: c.841G>A on transcript NM_002875.5 (MANE Select); coding-DNA position 841, G replaced by A.
Protein change: p.Ala281Thr; replaces alanine 281 with threonine.
Molecular consequence: missense variant. On other transcripts: intron variant (1).
Genome position (GRCh38, 1-based): chr15:40,729,919, G>A. VCF-style: chr15-40729919-G-A. GRCh37 (hg19) VCF-style: chr15-41022117-G-A.
Other names: c.844G>A, p.Ala282Thr (NM_001164269.2, NM_133487.4); c.774+285G>A (NM_001164270.2); short protein forms A282T, A281T.
Identifiers: ClinVar variation 1763317 (VCV001763317.2), dbSNP rs764611353, ClinGen allele CA391759947.